The following is an entry in ClinVar:

NM_004565.3(PEX14):c.494A>G (p.Gln165Arg)

Genes: PEX14 (peroxisomal biogenesis factor 14; plus strand), LOC126805616 (CDK7 strongly-dependent group 2 enhancer GRCh37_chr1:10683990-10685189; plus strand). Cytogenetic location: 1p36.22.
Variant type: single nucleotide variant.
Coding change: c.494A>G on transcript NM_004565.3 (MANE Select); coding-DNA position 494, A replaced by G.
Protein change: p.Gln165Arg; replaces glutamine 165 with arginine.
Molecular consequence: missense variant.
Genome position (GRCh38, 1-based): chr1:10,624,346, A>G. VCF-style: chr1-10624346-A-G. GRCh37 (hg19) VCF-style: chr1-10684403-A-G.
Other names: short protein forms Q165R.
Identifiers: ClinVar variation 4998706 (VCV004998706.1).

ClinVar aggregate classification (germline): Uncertain significance (1 of 4 stars; one submission).

Conditions:
PEX14-related disorder. Also called: PEX14-related condition.

Submission:

PreventionGenetics, part of Exact Sciences
Classification: Uncertain significance for PEX14-related condition. Last evaluated: 2025-07-15. Review status: criteria provided, single submitter. Criteria: ACMG Guidelines, 2015. Collection method: clinical testing. Allele origin: germline.
Comment: The PEX14 c.494A>G variant is predicted to result in the amino acid substitution p.Gln165Arg. To our knowledge, this variant has not been reported in the literature or in a large population database (gnomAD), indicating this variant is rare. At this time, the clinical significance of this variant is uncertain due to the absence of conclusive functional and genetic evidence.